The following is an entry in ClinVar:

NM_173495.3(PTCHD1):c.1023A>T (p.Leu341Phe)

Gene: PTCHD1 (patched domain containing 1; plus strand). Cytogenetic location: Xp22.11.
Variant type: single nucleotide variant.
Coding change: c.1023A>T on transcript NM_173495.3 (MANE Select); coding-DNA position 1023, A replaced by T.
Protein change: p.Leu341Phe; replaces leucine 341 with phenylalanine.
Molecular consequence: missense variant.
Genome position (GRCh38, 1-based): chrX:23,392,541, A>T. VCF-style: chrX-23392541-A-T. GRCh37 (hg19) VCF-style: chrX-23410658-A-T.
Other names: short protein forms L341F.
Identifiers: ClinVar variation 392414 (VCV000392414.2), dbSNP rs1057524481, ClinGen allele CA16608821.
Genomic context (GRCh38, chrX:23,392,541, plus strand): 5'-AAGAGATTAGTTCTTTAAACTTCTGCTCTGGTCTTTTTCTGCCCTCTTAGGTCATGGATT[A>T]TATGGGACTTTTGAAATGTTATCCTCCTGGAGGAAAACTAGAGAAGACCAACATGTTAAA-3'
Protein context (NP_775766.2, residues 331-351): GVPFVMLGHG[Leu341Phe]YGTFEMLSSW

ClinVar aggregate classification (germline): Uncertain significance (1 of 4 stars; one submission).

Submission:

GeneDx
Classification: Uncertain significance. Last evaluated: 2017-01-11. Review status: criteria provided, single submitter. Criteria: GeneDx Variant Classification (06012015). Collection method: clinical testing. Allele origin: germline. Affected: yes.
Comment: The L341F variant in the PTCHD1 gene has not been reported previously as a pathogenic variant, nor as a benign variant, to our knowledge. The L341F variant was not observed in approximately 6,500 individuals of European and African American ancestry in the NHLBI Exome Sequencing Project, indicating it is not a common benign variant in these populations. The L341F variant is a conservative amino acid substitution, which is not likely to impact secondary protein structure as these residues share similar properties. This substitution occurs at a position that is conserved across species. In silico analysis is inconsistent in its predictions as to whether or not the variant is damaging to the protein structure/function. We interpret L341F as a variant of uncertain significance.